The following is an entry in ClinVar:

NM_020822.3(KCNT1):c.2690C>A (p.Ala897Glu)

Gene: KCNT1 (potassium sodium-activated channel subfamily T member 1; plus strand). Cytogenetic location: 9q34.3.
Variant type: single nucleotide variant.
Coding change: c.2690C>A on transcript NM_020822.3 (MANE Select); coding-DNA position 2690, C replaced by A.
Protein change: p.Ala897Glu; replaces alanine 897 with glutamic acid.
Molecular consequence: missense variant.
Genome position (GRCh38, 1-based): chr9:135,778,783, C>A. VCF-style: chr9-135778783-C-A. GRCh37 (hg19) VCF-style: chr9-138670629-C-A.
Other names: c.2555C>A, p.Ala852Glu (NM_001272003.2); short protein forms A852E, A897E.
Identifiers: ClinVar variation 3756850 (VCV003756850.2).

ClinVar aggregate classification (germline): Uncertain significance (1 of 4 stars; one submission).

Conditions:
Autosomal dominant nocturnal frontal lobe epilepsy 5. Also called: KCNT1-Related Epilepsy; CILIARY DYSKINESIA, PRIMARY, 28, WITHOUT SITUS INVERSUS; CILIARY DYSKINESIA, PRIMARY, 28, WITH SITUS INVERSUS; Epilepsy, nocturnal frontal lobe, 5. Identifiers: Orphanet 98784, MedGen C3554306, MONDO:0014002, OMIM 615005.
Developmental and epileptic encephalopathy, 14 (DEE14). Also called: Early infantile epileptic encephalopathy 14. Identifiers: Orphanet 293181, MedGen C3554195, MONDO:0013989, OMIM 614959.

Submission:

Labcorp Genetics (formerly Invitae), Labcorp
Classification: Uncertain significance for Autosomal dominant nocturnal frontal lobe epilepsy 5; Developmental and epileptic encephalopathy, 14. Last evaluated: 2024-06-17. Review status: criteria provided, single submitter. Criteria: Invitae Variant Classification Sherloc (09022015). Collection method: clinical testing. Allele origin: germline.
Comment: This sequence change replaces alanine, which is neutral and non-polar, with glutamic acid, which is acidic and polar, at codon 897 of the KCNT1 protein (p.Ala897Glu). This variant is not present in population databases (gnomAD no frequency). This variant has not been reported in the literature in individuals affected with KCNT1-related conditions. Advanced modeling of protein sequence and biophysical properties (such as structural, functional, and spatial information, amino acid conservation, physicochemical variation, residue mobility, and thermodynamic stability) performed at Invitae indicates that this missense variant is expected to disrupt KCNT1 protein function with a positive predictive value of 80%. In summary, the available evidence is currently insufficient to determine the role of this variant in disease. Therefore, it has been classified as a Variant of Uncertain Significance.